The following is an entry in ClinVar:

ClinVar aggregate classification (germline): Uncertain significance (1 of 4 stars; one submission).

Allele frequency attached by ClinVar (database versions not stated): TOPMed below 0.00001; gnomAD 0.00001.
gnomAD v4.1: 1 of 1,612,614 alleles (0.000062%); highest among the groups gnomAD compares: Non-Finnish European, 0.000085%; no homozygotes.

Submission:

Labcorp Genetics (formerly Invitae), Labcorp
Classification: Uncertain significance. Last evaluated: 2025-09-02. Review status: criteria provided, single submitter. Criteria: Invitae Variant Classification Sherloc (09022015). Collection method: clinical testing. Allele origin: germline.
Comment: This sequence change replaces leucine, which is neutral and non-polar, with valine, which is neutral and non-polar, at codon 236 of the CWC27 protein (p.Leu236Val). This variant is not present in population databases (gnomAD no frequency). This variant has not been reported in the literature in individuals affected with CWC27-related conditions. ClinVar contains an entry for this variant (Variation ID: 1714448). An algorithm developed to predict the effect of missense changes on protein structure and function (PolyPhen-2) suggests that this variant is likely to be disruptive. In summary, the available evidence is currently insufficient to determine the role of this variant in disease. Therefore, it has been classified as a Variant of Uncertain Significance.

NM_005869.4(CWC27):c.706C>G (p.Leu236Val)

Gene: CWC27 (CWC27 spliceosome associated cyclophilin; plus strand). Cytogenetic location: 5q12.3.
Variant type: single nucleotide variant.
Coding change: c.706C>G on transcript NM_005869.4 (MANE Select); coding-DNA position 706, C replaced by G.
Protein change: p.Leu236Val; replaces leucine 236 with valine.
Molecular consequence: missense variant.
Genome position (GRCh38, 1-based): chr5:64,800,284, C>G. VCF-style: chr5-64800284-C-G. GRCh37 (hg19) VCF-style: chr5-64096111-C-G.
Other names: c.706C>G, p.Leu236Val (NM_001297644.1, NM_001297645.2, NM_001318000.2 and 1 more transcripts); short protein forms L236V.
Identifiers: ClinVar variation 1714448 (VCV001714448.4), dbSNP rs1744443476, ClinGen allele CA359831846.